The following is an entry in ClinVar:

NM_002454.3(MTRR):c.*662T>A

Gene: MTRR (5-methyltetrahydrofolate-homocysteine methyltransferase reductase; plus strand). Cytogenetic location: 5p15.31.
Variant type: single nucleotide variant.
Coding change: c.*662T>A on transcript NM_002454.3 (MANE Select); 662 bases downstream of the stop codon, T replaced by A.
Molecular consequence: 3 prime UTR variant. On other transcripts: non-coding transcript variant (14).
Genome position (GRCh38, 1-based): chr5:7,900,720, T>A. VCF-style: chr5-7900720-T-A. GRCh37 (hg19) VCF-style: chr5-7900833-T-A.
Other names: c.*662T>A (NM_001364440.2, NM_001364441.2, NM_001364442.2 and 1 more transcripts).
Identifiers: ClinVar variation 354373 (VCV000354373.6), dbSNP rs8659, ClinGen allele CA10625282.

ClinVar aggregate classification (germline): Benign. Review status: criteria provided, multiple submitters, no conflicts (2 of 4 stars). 2 submissions from 2 submitters: Benign (2). Last evaluated 2018-01-13.

Conditions:
Disorders of Intracellular Cobalamin Metabolism. Identifiers: MedGen CN043592.

Allele frequency attached by ClinVar (database versions not stated): 1000 Genomes Project 30x 0.48111; 1000 Genomes Project 0.48562; TOPMed 0.54955; gnomAD 0.57436 and 0.57728; gnomAD exomes 0.65570.
gnomAD v4.1: 87,758 of 152,572 alleles (58%); highest among the groups gnomAD compares: Non-Finnish European, 66%; 26,190 homozygotes.

Submissions (2):

Illumina Laboratory Services, Illumina
Classification: Benign for Disorders of Intracellular Cobalamin Metabolism. Last evaluated: 2018-01-13. Review status: criteria provided, single submitter. Criteria: ICSL Variant Classification Criteria 13 December 2019. Collection method: clinical testing. Allele origin: germline.
Comment: This variant was observed in the ICSL laboratory as part of a predisposition screen in an ostensibly healthy population. It had not been previously curated by ICSL or reported in the Human Gene Mutation Database (HGMD: prior to June 1st, 2018), and was therefore a candidate for classification through an automated scoring system. Utilizing variant allele frequency, disease prevalence and penetrance estimates, and inheritance mode, an automated score was calculated to assess if this variant is too frequent to cause the disease. Based on the score and internal cut-off values, a variant classified as benign is not then subjected to further curation. The score for this variant resulted in a classification of benign for this disease.

Breakthrough Genomics
Classification: Benign. Review status: criteria provided, single submitter. Criteria: ACMG Guidelines, 2015. Collection method: not provided. Allele origin: germline. Inheritance: Autosomal recessive inheritance. Affected: yes.